The following is an entry in ClinVar:

ClinVar aggregate classification (germline): Pathogenic. Review status: criteria provided, multiple submitters, no conflicts (2 of 4 stars). 5 submissions from 5 submitters: Pathogenic (4). 1 of the submissions does not count toward it. Last evaluated 2026-07-20.

Conditions:
Ehlers-Danlos syndrome, type 4 (EDSVASC). Also called: Ehlers-Danlos syndrome vascular type; Ehlers Danlos syndrome, ecchymotic type; Ehlers Danlos syndrome, arterial type; Ehlers Danlos syndrome, Sack-Barabas type; Ehlers-Danlos Syndrome Type IV. Identifiers: Orphanet 286, MedGen C0268338, MONDO:0017314, OMIM 130050.
Polymicrogyria with or without vascular-type Ehlers-Danlos syndrome. Identifiers: Orphanet 636941, MedGen C5193040, MONDO:0032688, OMIM 618343.

Submissions (5):

GeneDx
Classification: Pathogenic. Last evaluated: 2026-07-20. Review status: criteria provided, single submitter. Criteria: GeneDx Variant Classification Process June 2021. Collection method: clinical testing. Allele origin: germline.
Comment: Nonsense variant predicted to result in protein truncation or nonsense mediated decay in a gene for which loss of function is a known mechanism of disease; Not observed at significant frequency in large population cohorts (gnomAD); This variant is associated with the following publications: (PMID: 28742248, 39989454)

Labcorp Genetics (formerly Invitae), Labcorp
Classification: Pathogenic for Ehlers-Danlos syndrome, type 4. Last evaluated: 2026-01-21. Review status: criteria provided, single submitter. Criteria: Invitae Variant Classification Sherloc (09022015). Collection method: clinical testing. Allele origin: germline.
Comment: This sequence change creates a premature translational stop signal (p.Arg428*) in the COL3A1 gene. It is expected to result in an absent or disrupted protein product. Loss-of-function variants in COL3A1 are known to be pathogenic (PMID: 24922459). This variant is not present in population databases (gnomAD no frequency). This premature translational stop signal has been observed in individual(s) with COL3A1-related conditions (PMID: 28742248). ClinVar contains an entry for this variant (Variation ID: 619225). For these reasons, this variant has been classified as Pathogenic.

Fulgent Genetics
Classification: Pathogenic for Ehlers-Danlos syndrome, type 4; Polymicrogyria with or without vascular-type Ehlers-Danlos syndrome. Last evaluated: 2022-04-11. Review status: criteria provided, single submitter. Criteria: ACMG Guidelines, 2015. Collection method: clinical testing. Allele origin: unknown.

SIB Swiss Institute of Bioinformatics
Classification: Pathogenic for Polymicrogyria with or without vascular-type Ehlers-Danlos syndrome. Last evaluated: 2019-07-08. Review status: criteria provided, single submitter. Criteria: ACMG Guidelines, 2015. Collection method: curation. Allele origin: unknown.
Comment: This variant is interpreted as a Pathogenic for Polymicrogyria with or without vascular-type Ehlers-Danlos syndrome, autosomal recessive. The following ACMG Tag(s) were applied: PM2, PVS1, PM3.

OMIM
Classification: Pathogenic for POLYMICROGYRIA WITH VASCULAR-TYPE EHLERS-DANLOS SYNDROME. Last evaluated: 2019-03-05. Review status: no assertion criteria provided. Collection method: literature only. Allele origin: germline. Not counted in ClinVar's aggregate classification.

Literature cited by the submitters: PubMed 24922459 (cited by Labcorp Genetics (formerly Invitae), Labcorp); PubMed 28742248 (cited by 3 submitters).

NM_000090.4(COL3A1):c.1282C>T (p.Arg428Ter)

Gene: COL3A1 (collagen type III alpha 1 chain; plus strand). Cytogenetic location: 2q32.2.
Variant type: single nucleotide variant.
Coding change: c.1282C>T on transcript NM_000090.4 (MANE Select); coding-DNA position 1282, C replaced by T.
Protein change: p.Arg428Ter; replaces arginine 428 with a stop codon.
Molecular consequence: nonsense.
Genome position (GRCh38, 1-based): chr2:188,994,321, C>T. VCF-style: chr2-188994321-C-T. GRCh37 (hg19) VCF-style: chr2-189859047-C-T.
Other names: LRG_3t1:c.1281C>T; c.1281C>T (NM_000090.3); short protein forms R428*.
Identifiers: ClinVar variation 619225 (VCV000619225.8), dbSNP rs1576465155, ClinGen allele CA349851545.